The following is an entry in ClinVar:

NM_001330195.2(NRXN3):c.4135G>T (p.Ala1379Ser)

Gene: NRXN3 (neurexin 3; plus strand). Cytogenetic location: 14q31.1.
Variant type: single nucleotide variant.
Coding change: c.4135G>T on transcript NM_001330195.2 (MANE Select); coding-DNA position 4135, G replaced by T.
Protein change: p.Ala1379Ser; replaces alanine 1379 with serine.
Molecular consequence: missense variant. On other transcripts: non-coding transcript variant (5), intron variant (4).
Genome position (GRCh38, 1-based): chr14:79,861,383, G>T. VCF-style: chr14-79861383-G-T. GRCh37 (hg19) VCF-style: chr14-80327726-G-T.
Other names: c.1333G>T, p.Ala445Ser (NM_001272020.2); c.4045G>T, p.Ala1349Ser (NM_001366425.1); c.4106-280G>T (NM_001366426.1); c.2885-280G>T (NM_004796.6); c.1079-280G>T (NM_001105250.3); c.998-280G>T (NM_138970.5); short protein forms A1349S, A1379S, A445S.
Identifiers: ClinVar variation 2632085 (VCV002632085.1), dbSNP rs760723868, ClinGen allele CA264251701.

ClinVar aggregate classification (germline): Uncertain significance (1 of 4 stars; one submission).

Conditions:
NRXN3-related disorder. Also called: NRXN3-related condition.

Allele frequency attached by ClinVar (database versions not stated): TOPMed 0.00003; gnomAD 0.00004.
gnomAD v4.1: 28 of 1,536,082 alleles (0.0018%); highest among the groups gnomAD compares: Non-Finnish European, 0.0023%; no homozygotes.

Submission:

PreventionGenetics, part of Exact Sciences
Classification: Uncertain significance for NRXN3-related condition. Last evaluated: 2023-05-17. Review status: criteria provided, single submitter. Criteria: ACMG Guidelines, 2015. Collection method: clinical testing. Allele origin: germline.
Comment: The NRXN3 c.4135G>T variant is predicted to result in the amino acid substitution p.Ala1379Ser. To our knowledge, this variant has not been reported in the literature. This variant is reported in 0.0014% of alleles in individuals of European (Non-Finnish) descent in gnomAD. At this time, the clinical significance of this variant is uncertain due to the absence of conclusive functional and genetic evidence.